The following is an entry in ClinVar:

NM_001128431.4(SLC39A14):c.79G>A (p.Glu27Lys)

Gene: SLC39A14 (solute carrier family 39 member 14; plus strand). Cytogenetic location: 8p21.3.
Variant type: single nucleotide variant.
Coding change: c.79G>A on transcript NM_001128431.4 (MANE Select); coding-DNA position 79, G replaced by A.
Protein change: p.Glu27Lys; replaces glutamic acid 27 with lysine.
Molecular consequence: missense variant.
Genome position (GRCh38, 1-based): chr8:22,404,789, G>A. VCF-style: chr8-22404789-G-A. GRCh37 (hg19) VCF-style: chr8-22262302-G-A.
Other names: c.79G>A, p.Glu27Lys (NM_001135153.3, NM_001135154.3, NM_001351655.2 and 3 more transcripts); c.109G>A, p.Glu37Lys (NM_001351657.2, NM_001351658.2, NM_001351659.2); short protein forms E27K, E37K.
Identifiers: ClinVar variation 2716143 (VCV002716143.3), dbSNP rs1390390557, ClinGen allele CA370522051.

ClinVar aggregate classification (germline): Uncertain significance (1 of 4 stars; one submission).

Allele frequency attached by ClinVar (database versions not stated): gnomAD 0.00001.
gnomAD v4.1: 1 of 1,613,360 alleles (0.000062%); highest among the groups gnomAD compares: Non-Finnish European, 0.000085%; no homozygotes.

Submission:

Labcorp Genetics (formerly Invitae), Labcorp
Classification: Uncertain significance. Last evaluated: 2023-09-05. Review status: criteria provided, single submitter. Criteria: Invitae Variant Classification Sherloc (09022015). Collection method: clinical testing. Allele origin: germline.
Comment: In summary, the available evidence is currently insufficient to determine the role of this variant in disease. Therefore, it has been classified as a Variant of Uncertain Significance. Algorithms developed to predict the effect of missense changes on protein structure and function output the following: SIFT: "Not Available"; PolyPhen-2: "Benign"; Align-GVGD: "Not Available". The lysine amino acid residue is found in multiple mammalian species, which suggests that this missense change does not adversely affect protein function. This variant has not been reported in the literature in individuals affected with SLC39A14-related conditions. This variant is present in population databases (no rsID available, gnomAD 0.007%). This sequence change replaces glutamic acid, which is acidic and polar, with lysine, which is basic and polar, at codon 27 of the SLC39A14 protein (p.Glu27Lys).